The following is an entry in ClinVar:

NM_024009.3(GJB3):c.1A>G (p.Met1Val)

Gene: GJB3 (gap junction protein beta 3; plus strand). Cytogenetic location: 1p34.3.
Variant type: single nucleotide variant.
Coding change: c.1A>G on transcript NM_024009.3 (MANE Select); coding-DNA position 1, A replaced by G.
Protein change: p.Met1Val; changes the start codon (methionine 1).
Molecular consequence: missense variant, initiator codon variant.
Genome position (GRCh38, 1-based): chr1:34,784,763, A>G. VCF-style: chr1-34784763-A-G. GRCh37 (hg19) VCF-style: chr1-35250364-A-G.
Other names: c.1A>G, p.Met1Val (NM_001005752.2); short protein forms M1V.
Identifiers: ClinVar variation 3384416 (VCV003384416.1).

ClinVar aggregate classification (germline): Uncertain significance (1 of 4 stars; one submission).

Submission:

GeneDx
Classification: Uncertain significance. Last evaluated: 2024-05-28. Review status: criteria provided, single submitter. Criteria: GeneDx Variant Classification Process June 2021. Collection method: clinical testing. Allele origin: germline. Affected: yes.
Comment: Not observed at significant frequency in large population cohorts (gnomAD); Initiation codon variant in a gene for which loss of function is not a known mechanism of disease; Has not been previously published as pathogenic or benign to our knowledge